The following is an entry in ClinVar:

NM_000117.3(EMD):c.475_476del (p.Ser159fs)

Gene: EMD (emerin; plus strand). Cytogenetic location: Xq28.
Variant type: Deletion.
Coding change: c.475_476del on transcript NM_000117.3 (MANE Select); coding-DNA positions 475 to 476, 2 bases deleted (AG; older notation c.475_476delAG).
Protein change: p.Ser159fs; shifts the reading frame from serine 159.
Molecular consequence: frameshift variant.
Genome position (GRCh38, 1-based): chrX:154,380,907-154,380,908, AG deleted. VCF-style (leftmost placement, unchanged base first): chrX-154380906-CAG-C. GRCh37 (hg19) VCF-style: chrX-153609266-CAG-C.
Other names: short protein forms S159fs.
Identifiers: ClinVar variation 839321 (VCV000839321.10), dbSNP rs2067883871, ClinGen allele CA916082514.
Genomic context (GRCh38, chrX:154,380,906, plus strand): 5'-GGCTCCTGGCCCACTTGCTCCCCTCTTTTGCCTCAGGGAACGCCCCATGTACGGCCGGGA[CAG>C]TGCCTACCAGAGCATCACGCACTACCGCCCTGTTTCAGCCTCCAGGAGCTCCCTGGACCT-3'

ClinVar aggregate classification (germline): Pathogenic (1 of 4 stars; one submission).

Conditions:
X-linked Emery-Dreifuss muscular dystrophy. Also called: Muscular dystrophy, tardive Emery-Dreifuss type, with contractures. Identifiers: Orphanet 261, Orphanet 98863, MedGen C0751337, MONDO:0010680.

Submission:

Labcorp Genetics (formerly Invitae), Labcorp
Classification: Pathogenic for X-linked Emery-Dreifuss muscular dystrophy. Last evaluated: 2024-10-18. Review status: criteria provided, single submitter. Criteria: Invitae Variant Classification Sherloc (09022015). Collection method: clinical testing. Allele origin: germline.
Comment: This sequence change creates a premature translational stop signal (p.Ser159Cysfs*50) in the EMD gene. While this is not anticipated to result in nonsense mediated decay, it is expected to disrupt the last 96 amino acid(s) of the EMD protein. This variant is not present in population databases (gnomAD no frequency). This variant has not been reported in the literature in individuals affected with EMD-related conditions. ClinVar contains an entry for this variant (Variation ID: 839321). This variant disrupts a region of the EMD protein in which other variant(s) (p.Trp226*) have been determined to be pathogenic (PMID: 8589715, 15967842). This suggests that this is a clinically significant region of the protein, and that variants that disrupt it are likely to be disease-causing. For these reasons, this variant has been classified as Pathogenic.

Literature cited by the submitters: PubMed 8589715; PubMed 15967842.